The following is an entry in ClinVar:

ClinVar aggregate classification (germline): Uncertain significance (1 of 4 stars; one submission).

Conditions:
Emery-Dreifuss muscular dystrophy 5, autosomal dominant (EDMD5). Also called: EMERY-DREIFUSS MUSCULAR DYSTROPHY 5. Identifiers: Orphanet 261, MedGen C2751805, MONDO:0013072, OMIM 612999.

Submission:

Labcorp Genetics (formerly Invitae), Labcorp
Classification: Uncertain significance for Emery-Dreifuss muscular dystrophy 5, autosomal dominant. Last evaluated: 2024-11-22. Review status: criteria provided, single submitter. Criteria: Invitae Variant Classification Sherloc (09022015). Collection method: clinical testing. Allele origin: germline.
Comment: This sequence change replaces glutamine, which is neutral and polar, with glutamic acid, which is acidic and polar, at codon 3884 of the SYNE2 protein (p.Gln3884Glu). This variant is not present in population databases (gnomAD no frequency). This variant has not been reported in the literature in individuals affected with SYNE2-related conditions. An algorithm developed to predict the effect of missense changes on protein structure and function (PolyPhen-2) suggests that this variant is likely to be tolerated. In summary, the available evidence is currently insufficient to determine the role of this variant in disease. Therefore, it has been classified as a Variant of Uncertain Significance.

NM_182914.3(SYNE2):c.11650C>G (p.Gln3884Glu)

Gene: SYNE2 (spectrin repeat containing nuclear envelope protein 2; plus strand). Cytogenetic location: 14q23.2.
Variant type: single nucleotide variant.
Coding change: c.11650C>G on transcript NM_182914.3 (MANE Select); coding-DNA position 11650, C replaced by G.
Protein change: p.Gln3884Glu; replaces glutamine 3884 with glutamic acid.
Molecular consequence: missense variant.
Genome position (GRCh38, 1-based): chr14:64,087,836, C>G. VCF-style: chr14-64087836-C-G. GRCh37 (hg19) VCF-style: chr14-64554554-C-G.
Other names: c.11650C>G, p.Gln3884Glu (NM_015180.6); short protein forms Q3884E.
Identifiers: ClinVar variation 3698407 (VCV003698407.2).